The following is an entry in ClinVar:

ClinVar aggregate classification (germline): Pathogenic/Likely pathogenic. Review status: criteria provided, multiple submitters, no conflicts (2 of 4 stars). 2 submissions from 2 submitters: Pathogenic (1); Likely pathogenic (1). Last evaluated 2025-10-23.

Conditions:
Brugada syndrome 5 (BRGDA5). Identifiers: Orphanet 130, Orphanet 871, MedGen C2748541, MONDO:0013015, OMIM 612838.

gnomAD v4.1: 5 of 1,614,098 alleles (0.00031%); highest among the groups gnomAD compares: Admixed American, 0.0017%; no homozygotes.

Submissions (2):

Labcorp Genetics (formerly Invitae), Labcorp
Classification: Pathogenic for Brugada syndrome 5. Last evaluated: 2025-10-23. Review status: criteria provided, single submitter. Criteria: Invitae Variant Classification Sherloc (09022015). Collection method: clinical testing. Allele origin: germline.
Comment: The SCN1B gene has multiple clinically relevant transcripts. This variant occurs in alternate transcript NM_001037.4, and corresponds to NM_199037.3:c.*5042G>A in the primary transcript. This sequence change replaces valine, which is neutral and non-polar, with methionine, which is neutral and non-polar, at codon 158 of the SCN1B protein (p.Val158Met). This variant is not present in population databases (gnomAD no frequency). This missense change has been observed in individuals with clinical features of autosomal recessive SCN1B-related conditions (PMID: 33901312). It has also been observed to segregate with disease in related individuals. Algorithms developed to predict the effect of variants on gene product structure and function are not available or were not evaluated for this variant. Experimental studies have shown that this missense change affects SCN1B function (PMID: 33901312). For these reasons, this variant has been classified as Pathogenic.

GeneDx
Classification: Likely pathogenic. Last evaluated: 2024-11-04. Review status: criteria provided, single submitter. Criteria: GeneDx Variant Classification Process June 2021. Collection method: clinical testing. Allele origin: germline. Affected: yes.
Comment: Published functional studies demonstrate a damaging effect on voltage-gated sodium channel function in the brain (PMID: 33901312); Not observed at significant frequency in large population cohorts (gnomAD); In silico analysis indicates that this missense variant does not alter protein structure/function; This variant is associated with the following publications: (PMID: 29758173, 33901312)

Literature cited by the submitters: PubMed 33901312 (cited by Labcorp Genetics (formerly Invitae), Labcorp).

NM_001037.5(SCN1B):c.472G>A (p.Val158Met)

Gene: SCN1B (sodium voltage-gated channel beta subunit 1; plus strand). Cytogenetic location: 19q13.11.
Variant type: single nucleotide variant.
Coding change: c.472G>A on transcript NM_001037.5 (MANE Select); coding-DNA position 472, G replaced by A.
Protein change: p.Val158Met; replaces valine 158 with methionine.
Molecular consequence: missense variant.
Genome position (GRCh38, 1-based): chr19:35,039,140, G>A. VCF-style: chr19-35039140-G-A. GRCh37 (hg19) VCF-style: chr19-35530044-G-A.
Other names: p.V158M:GTG>ATG; c.373G>A, p.Val125Met (NM_001321605.2); short protein forms V158M, V125M.
Identifiers: ClinVar variation 190872 (VCV000190872.10), dbSNP rs138450474, ClinGen allele CA302176.